The following is an entry in ClinVar:

NM_022168.4(IFIH1):c.2938C>T (p.Pro980Ser)

Gene: IFIH1 (interferon induced with helicase C domain 1; minus strand). Cytogenetic location: 2q24.2.
Variant type: single nucleotide variant.
Coding change: c.2938C>T on transcript NM_022168.4 (MANE Select); coding-DNA position 2938, C replaced by T.
Protein change: p.Pro980Ser; replaces proline 980 with serine.
Molecular consequence: missense variant.
Genome position (GRCh38, 1-based): chr2:162,267,340, G>A on the plus strand (C>T on the coding strand, the complement: IFIH1 is on the minus strand). VCF-style: chr2-162267340-G-A. GRCh37 (hg19) VCF-style: chr2-163123850-G-A.
Other names: c.2938C>T (NM_022168.2); short protein forms P980S.
Identifiers: ClinVar variation 3753612 (VCV003753612.3).
Genomic context (GRCh38, chr2:162,267,340, plus strand): 5'-ATTGTTTCTTTGTTGAATTATTTTTGAAAACCACTACAAAATTCCTTATTTTGAGACAAG[G>A]CAAATCTAAGCCTTTGTGCACCATCATTGTTCCCCAAGCCTGGAAAACAAAAGAGAGAGC-3'
Protein context (NP_071451.2, residues 970-990): TMMVHKGLDL[Pro980Ser]CLKIRNFVVV

ClinVar aggregate classification (germline): Conflicting classifications of pathogenicity. Review status: criteria provided, conflicting classifications (1 of 4 stars). 2 submissions from 2 submitters: Likely pathogenic (1); Uncertain significance (1). Last evaluated 2025-05-12.

Conditions:
Singleton-Merten syndrome 1 (SGMRT1). Also called: Widened medullary cavities of bone, aortic calcification, abnormal dentition, and muscular weakness; Syndrome of widened medullary cavities of the metacarpals and phalanges, aortic calcification and abnormal dentition. Identifiers: Orphanet 85191, MedGen C4225427, MONDO:0024535, OMIM 182250.
Aicardi-Goutieres syndrome 7 (AGS7). Identifiers: Orphanet 51, MedGen C3888244, MONDO:0014367, OMIM 615846.
Inborn genetic diseases. Identifiers: MedGen C0950123, MeSH D030342.

Submissions (2):

Ambry Genetics
Classification: Likely pathogenic for Inborn genetic diseases. Last evaluated: 2025-05-12. Review status: criteria provided, single submitter. Criteria: Ambry Variant Classification Scheme 2023. Collection method: clinical testing. Allele origin: germline.
Comment: The c.2938C>T (p.P980S) alteration is located in exon 16 (coding exon 16) of the IFIH1 gene. This alteration results from a C to T substitution at nucleotide position 2938, causing the proline (P) at amino acid position 980 to be replaced by a serine (S). This variant was not reported in population-based cohorts in the Genome Aggregation Database (gnomAD). This amino acid position is highly conserved in available vertebrate species. This alteration is predicted to be deleterious by in silico analysis. Based on the available evidence, this alteration is classified as likely pathogenic.

Labcorp Genetics (formerly Invitae), Labcorp
Classification: Uncertain significance for Aicardi-Goutieres syndrome 7; Singleton-Merten syndrome 1. Last evaluated: 2024-11-04. Review status: criteria provided, single submitter. Criteria: Invitae Variant Classification Sherloc (09022015). Collection method: clinical testing. Allele origin: germline.
Comment: This sequence change replaces proline, which is neutral and non-polar, with serine, which is neutral and polar, at codon 980 of the IFIH1 protein (p.Pro980Ser). This variant is not present in population databases (gnomAD no frequency). This variant has not been reported in the literature in individuals affected with IFIH1-related conditions. Invitae Evidence Modeling of protein sequence and biophysical properties (such as structural, functional, and spatial information, amino acid conservation, physicochemical variation, residue mobility, and thermodynamic stability) has been performed for this missense variant. However, the output from this modeling did not meet the statistical confidence thresholds required to predict the impact of this variant on IFIH1 protein function. In summary, the available evidence is currently insufficient to determine the role of this variant in disease. Therefore, it has been classified as a Variant of Uncertain Significance.